The following is an entry in ClinVar:

NM_016734.3(PAX5):c.829A>G (p.Met277Val)

Gene: PAX5 (paired box 5; minus strand). Cytogenetic location: 9p13.2.
Variant type: single nucleotide variant.
Coding change: c.829A>G on transcript NM_016734.3 (MANE Select); coding-DNA position 829, A replaced by G.
Protein change: p.Met277Val; replaces methionine 277 with valine.
Molecular consequence: missense variant. On other transcripts: intron variant (2).
Genome position (GRCh38, 1-based): chr9:36,923,436, T>C on the plus strand (A>G on the coding strand, the complement: PAX5 is on the minus strand). VCF-style: chr9-36923436-T-C. GRCh37 (hg19) VCF-style: chr9-36923433-T-C.
Other names: c.829A>G, p.Met277Val (NM_001280547.2, NM_001280548.2, NM_001280552.2); c.505A>G, p.Met169Val (NM_001280551.2, NM_001280556.2); c.700A>G, p.Met234Val (NM_001280553.2, NM_001280554.2); c.631A>G, p.Met211Val (NM_001280555.2); c.780+43113A>G (NM_001280550.2, NM_001280549.2); short protein forms M169V, M234V, M277V, M211V.
Identifiers: ClinVar variation 3414556 (VCV003414556.4).

ClinVar aggregate classification (germline): Uncertain significance. Review status: criteria provided, multiple submitters, no conflicts (2 of 4 stars). 2 submissions from 2 submitters: Uncertain significance (2). Last evaluated 2025-04-24.

Conditions:
Inborn genetic diseases. Identifiers: MedGen C0950123, MeSH D030342.

gnomAD v4.1: 18 of 1,612,700 alleles (0.0011%); highest among the groups gnomAD compares: Middle Eastern, 0.016%; no homozygotes.

Submissions (2):

Ambry Genetics
Classification: Uncertain significance for Inborn genetic diseases. Last evaluated: 2025-04-24. Review status: criteria provided, single submitter. Criteria: Ambry Variant Classification Scheme 2023. Collection method: clinical testing. Allele origin: germline.

Labcorp Genetics (formerly Invitae), Labcorp
Classification: Uncertain significance. Last evaluated: 2024-07-23. Review status: criteria provided, single submitter. Criteria: Invitae Variant Classification Sherloc (09022015). Collection method: clinical testing. Allele origin: germline.
Comment: This sequence change replaces methionine, which is neutral and non-polar, with valine, which is neutral and non-polar, at codon 277 of the PAX5 protein (p.Met277Val). This variant is present in population databases (rs758672654, gnomAD 0.006%). This variant has not been reported in the literature in individuals affected with PAX5-related conditions. An algorithm developed to predict the effect of missense changes on protein structure and function (PolyPhen-2) suggests that this variant is likely to be tolerated. In summary, the available evidence is currently insufficient to determine the role of this variant in disease. Therefore, it has been classified as a Variant of Uncertain Significance.